The following is an entry in ClinVar:

ClinVar aggregate classification (germline): Pathogenic/Likely pathogenic. Review status: criteria provided, multiple submitters, no conflicts (2 of 4 stars). 5 submissions from 5 submitters: Pathogenic (1); Likely pathogenic (3). 1 of the submissions does not count toward it. Last evaluated 2026-04-28.

Conditions:
SNAP25-related disorder.
Congenital myasthenic syndrome 18. Also called: MYASTHENIC SYNDROME, CONGENITAL, 18, WITH INTELLECTUAL DISABILITY AND ATAXIA. Identifiers: Orphanet 590, MedGen C4225364, MONDO:0014590, OMIM 616330.
Developmental and epileptic encephalopathy. Identifiers: MedGen C5779964, MONDO:0100620.

Submissions (5):

Wales Gene Park, Division Of Cancer and Genetics, Cardiff University
Classification: Likely pathogenic for Congenital myasthenic syndrome 18. Last evaluated: 2026-04-28. Review status: criteria provided, single submitter. Criteria: ACGS Best Practice Guidelines for Variant Classification in Rare Disease 2024. Collection method: research. Allele origin: de novo. Inheritance: Autosomal dominant inheritance. Affected: yes. Study: 100,000 Genomes Project (Wales).
Comment: De novo SNAP25 missense variant detected by trio genome sequencing. The variant is located in the t-SNARE coiled-coil homology domain 1 which is a hotspot for pathogenic variants. Not present in gnomAD (v4.1.1). Constrained gene (gnomAD missense Z score 4.13). Variant also reported de novo in an unrelated inividual in the same paper. Evidence codes: PM2, PP2, PS2_moderate, PM1_supporting.

GeneDx
Classification: Pathogenic. Last evaluated: 2022-06-01. Review status: criteria provided, single submitter. Criteria: GeneDx Variant Classification Process June 2021. Collection method: clinical testing. Allele origin: germline. Affected: yes.
Comment: Not observed at significant frequency in large population cohorts (gnomAD); In silico analysis supports a deleterious effect on splicing; Reported using an alternate transcript of the gene; This variant is associated with the following publications: (PMID: 33299146, 33057194, 35982159)

Blueprint Genetics
Classification: Likely pathogenic for SNAP25-related disorders. Last evaluated: 2022-05-25. Review status: criteria provided, single submitter. Criteria: ACMG Guidelines, 2015. Collection method: clinical testing. Allele origin: germline. Affected: yes. Observed: 1 variant allele.

Institute of Human Genetics, University of Leipzig Medical Center
Classification: Likely pathogenic for Early-infantile DEE. Last evaluated: 2020-07-15. Review status: criteria provided, single submitter. Criteria: ACMG Guidelines, 2015. Collection method: clinical testing. Allele origin: de novo. Affected: yes.
Comment: This variant was identified as de novo (maternity and paternity confirmed).

OMIM
Classification: Pathogenic for DEVELOPMENTAL AND EPILEPTIC ENCEPHALOPATHY 117. Last evaluated: 2025-05-21. Review status: no assertion criteria provided. Collection method: literature only. Allele origin: germline. Not counted in ClinVar's aggregate classification.

Literature cited by the submitters: PubMed 33299146 (cited by 3 submitters).

NM_130811.4(SNAP25):c.212T>C (p.Met71Thr)

Gene: SNAP25 (synaptosome associated protein 25; plus strand). Cytogenetic location: 20p12.2.
Variant type: single nucleotide variant.
Coding change: c.212T>C on transcript NM_130811.4 (MANE Select); coding-DNA position 212, T replaced by C.
Protein change: p.Met71Thr; replaces methionine 71 with threonine.
Molecular consequence: missense variant. On other transcripts: intron variant (2).
Genome position (GRCh38, 1-based): chr20:10,293,209, T>C. VCF-style: chr20-10293209-T-C. GRCh37 (hg19) VCF-style: chr20-10273857-T-C.
Other names: c.212T>C, p.Met71Thr (NM_001322903.2, NM_001322904.2, NM_001322905.2 and 5 more transcripts); c.281+210T>C (NM_003081.5, NM_001322902.2); short protein forms M71T.
Identifiers: ClinVar variation 1285521 (VCV001285521.6), dbSNP rs2123120544, ClinGen allele CA408265970.